The following is an entry in ClinVar:

NM_000057.4(BLM):c.2844A>G (p.Ala948=)

Gene: BLM (BLM RecQ like helicase; plus strand). Cytogenetic location: 15q26.1.
Variant type: single nucleotide variant.
Coding change: c.2844A>G on transcript NM_000057.4 (MANE Select); coding-DNA position 2844, A replaced by G.
Protein change: p.Ala948=; no amino-acid change (alanine 948 retained).
Molecular consequence: synonymous variant.
Genome position (GRCh38, 1-based): chr15:90,790,669, A>G. VCF-style: chr15-90790669-A-G. GRCh37 (hg19) VCF-style: chr15-91333899-A-G.
Other names: c.2844A>G, p.Ala948= (NM_001287246.2, NM_001287247.2); c.1719A>G, p.Ala573= (NM_001287248.2); c.2844A>G (NM_000057.3).
Identifiers: ClinVar variation 2416636 (VCV002416636.11), dbSNP rs971631664, ClinGen allele CA274764564.
Genomic context (GRCh38, chr15:90,790,669, plus strand): 5'-TGTGCCTTATGAATCTAATAAGCTTTTGCTTTTATATCAGGTTATCTGTGCTACAATTGC[A>G]TTTGGAATGGGGATTGACAAACCGGACGTGCGATTTGTGATTCATGCATCTCTCCCTAAA-3'
Protein context (NP_000048.1, residues 938-958): DGCQVICATI[Ala948=]FGMGIDKPDV

ClinVar aggregate classification (germline): Likely benign. Review status: criteria provided, multiple submitters, no conflicts (2 of 4 stars). 3 submissions from 3 submitters: Likely benign (2). 1 of the submissions does not count toward it. Last evaluated 2025-08-14.

Conditions:
Hereditary cancer-predisposing syndrome. Also called: Tumor predisposition; Hereditary Cancer Syndrome; Neoplastic Syndromes, Hereditary; Hereditary neoplastic syndrome. Identifiers: Orphanet 140162, MedGen C0027672, MeSH D009386, MONDO:0015356.
BLM-related disorder. Also called: BLM-related condition.
Bloom syndrome (BLM). Also called: Bloom-Torre-Machacek syndrome. Identifiers: Orphanet 125, MedGen C0005859, MONDO:0008876, OMIM 210900.

Allele frequency attached by ClinVar (database versions not stated): TOPMed below 0.00001.

Submissions (3):

Ambry Genetics
Classification: Likely benign for Hereditary cancer-predisposing syndrome. Last evaluated: 2025-08-14. Review status: criteria provided, single submitter. Criteria: Ambry Variant Classification Scheme 2023. Collection method: clinical testing. Allele origin: germline.

Labcorp Genetics (formerly Invitae), Labcorp
Classification: Likely benign for Bloom syndrome. Last evaluated: 2023-06-20. Review status: criteria provided, single submitter. Criteria: Invitae Variant Classification Sherloc (09022015). Collection method: clinical testing. Allele origin: germline.

PreventionGenetics, part of Exact Sciences
Classification: Likely benign for BLM-related condition. Last evaluated: 2021-11-15. Review status: no assertion criteria provided. Collection method: clinical testing. Allele origin: germline. Not counted in ClinVar's aggregate classification.
Comment: This variant is classified as likely benign based on ACMG/AMP sequence variant interpretation guidelines (Richards et al. 2015 PMID: 25741868, with internal and published modifications).